The following is an entry in ClinVar:

ClinVar aggregate classification (germline): Uncertain significance. Review status: criteria provided, multiple submitters, no conflicts (2 of 4 stars). 3 submissions from 3 submitters: Uncertain significance (3). Last evaluated 2025-10-28.

Conditions:
Cardiomyopathy (CMYO). Also called: Cardiomyopathies. Identifiers: Orphanet 167848, MedGen C0878544, MONDO:0004994, HP:0001638. Inheritance: Various modes of inheritance.
Hypertrophic cardiomyopathy. Also called: HYPERTROPHIC MYOCARDIOPATHY. Identifiers: Orphanet 217569, MedGen C0007194, MeSH D002312, MONDO:0005045, HP:0001639.

Allele frequency attached by ClinVar (database versions not stated): gnomAD exomes below 0.00001.

Submissions (3):

Labcorp Genetics (formerly Invitae), Labcorp
Classification: Uncertain significance for Hypertrophic cardiomyopathy. Last evaluated: 2025-10-28. Review status: criteria provided, single submitter. Criteria: Invitae Variant Classification Sherloc (09022015). Collection method: clinical testing. Allele origin: germline.
Comment: This sequence change replaces methionine, which is neutral and non-polar, with threonine, which is neutral and polar, at codon 1730 of the MYH7 protein (p.Met1730Thr). This variant is not present in population databases (gnomAD no frequency). This variant has not been reported in the literature in individuals affected with MYH7-related conditions. ClinVar contains an entry for this variant (Variation ID: 918684). Invitae Evidence Modeling of protein sequence and biophysical properties (such as structural, functional, and spatial information, amino acid conservation, physicochemical variation, residue mobility, and thermodynamic stability) indicates that this missense variant is not expected to disrupt MYH7 protein function with a negative predictive value of 95%. In summary, the available evidence is currently insufficient to determine the role of this variant in disease. Therefore, it has been classified as a Variant of Uncertain Significance.

Blueprint Genetics
Classification: Uncertain significance. Last evaluated: 2024-08-15. Review status: criteria provided, single submitter. Criteria: ACMG Guidelines, 2015. Collection method: clinical testing. Allele origin: germline.

Color Diagnostics, LLC DBA Color Health
Classification: Uncertain significance for Cardiomyopathy. Last evaluated: 2019-12-09. Review status: criteria provided, single submitter. Criteria: ACMG Guidelines, 2015. Collection method: clinical testing. Allele origin: germline.
Comment: This missense variant replaces methionine with threonine at codon 1730 of the MYH7 protein. Computational prediction suggests that this variant may not impact protein structure and function (internally defined REVEL score threshold <= 0.5, PMID: 27666373). Splice site prediction tools suggest that this variant may not impact RNA splicing. To our knowledge, functional studies have not been performed for this variant. This variant has been reported in an individual affected with congenital heart disease (PMID: 25500235). This variant has not been identified in the general population by the Genome Aggregation Database (gnomAD). The available evidence is insufficient to determine the role of this variant in disease conclusively. Therefore, this variant is classified as a Variant of Uncertain Significance.

NM_000257.4(MYH7):c.5189T>C (p.Met1730Thr)

Genes: MHRT (myosin heavy chain associated RNA transcript; plus strand), MYH7 (myosin heavy chain 7; minus strand), LOC126861897 (BRD4-independent group 4 enhancer GRCh37_chr14:23884455-23885654; plus strand). Cytogenetic location: 14q11.2.
Variant type: single nucleotide variant.
Coding change: c.5189T>C on transcript NM_000257.4 (MANE Select); coding-DNA position 5189, T replaced by C.
Protein change: p.Met1730Thr; replaces methionine 1730 with threonine.
Molecular consequence: missense variant. On other transcripts: non-coding transcript variant (1).
Genome position (GRCh38, 1-based): chr14:23,415,475, A>G on the plus strand (T>C on the coding strand, the complement: MYH7 is on the minus strand). VCF-style: chr14-23415475-A-G. GRCh37 (hg19) VCF-style: chr14-23884684-A-G.
Other names: short protein forms M1730T.
Identifiers: ClinVar variation 918684 (VCV000918684.10), dbSNP rs867004523, ClinGen allele CA257809505.